The following is an entry in ClinVar:

NM_001048174.2(MUTYH):c.1496A>C (p.Gln499Pro)

Gene: MUTYH (mutY DNA glycosylase; minus strand). Cytogenetic location: 1p34.1.
Variant type: single nucleotide variant.
Coding change: c.1496A>C on transcript NM_001048174.2 (MANE Select); coding-DNA position 1496, A replaced by C.
Protein change: p.Gln499Pro; replaces glutamine 499 with proline.
Molecular consequence: missense variant. On other transcripts: non-coding transcript variant (7).
Genome position (GRCh38, 1-based): chr1:45,329,376, T>G on the plus strand (A>C on the coding strand, the complement: MUTYH is on the minus strand). VCF-style: chr1-45329376-T-G. GRCh37 (hg19) VCF-style: chr1-45795048-T-G.
Other names: c.1529A>C, p.Gln510Pro (NM_001293191.2, NM_001407069.1, NM_001407077.1); c.1220A>C, p.Gln407Pro (NM_001293192.2, NM_001293196.2, NM_001407091.1); c.1496A>C, p.Gln499Pro (NM_001293195.2, NM_001048171.2, NM_001048173.2 and 6 more transcripts); c.1499A>C, p.Gln500Pro (NM_001048172.2, NM_001407071.1, NM_001407078.1 and 1 more transcripts); c.1580A>C, p.Gln527Pro (NM_001128425.2); c.1541A>C, p.Gln514Pro (NM_001293190.2); c.1151A>C, p.Gln384Pro (NM_001350650.2, NM_001350651.2, NM_001407082.1); c.1412A>C, p.Gln471Pro (NM_001407075.1); and 5 more; short protein forms Q384P, Q471P, Q506P, Q513P, Q407P, Q486P, Q499P, Q510P.
Identifiers: ClinVar variation 4113391 (VCV004113391.1).

ClinVar aggregate classification (germline): Uncertain significance (1 of 4 stars; one submission).

Conditions:
Hereditary cancer-predisposing syndrome. Also called: Tumor predisposition; Neoplastic Syndromes, Hereditary; Hereditary neoplastic syndrome; Hereditary Cancer Syndrome. Identifiers: Orphanet 140162, MedGen C0027672, MeSH D009386, MONDO:0015356.

Submission:

Ambry Genetics
Classification: Uncertain significance for Hereditary cancer-predisposing syndrome. Last evaluated: 2025-08-27. Review status: criteria provided, single submitter. Criteria: Ambry Variant Classification Scheme 2023. Collection method: clinical testing. Allele origin: germline.
Comment: The p.Q527P variant (also known as c.1580A>C), located in coding exon 16 of the MUTYH gene, results from an A to C substitution at nucleotide position 1580. The glutamine at codon 527 is replaced by proline, an amino acid with similar properties. This amino acid position is conserved. In addition, this alteration is predicted to be deleterious by in silico analysis. Based on the available evidence, the clinical significance of this variant remains unclear.